The following is an entry in ClinVar:

NC_000007.13:g.(?_107167662)_(107303900_?)del

Genes: SLC26A4 (solute carrier family 26 member 4; plus strand), BCAP29 (B cell receptor associated protein 29; plus strand), DUS4L (dihydrouridine synthase 4 like; plus strand), COG5 (component of oligomeric golgi complex 5; minus strand). Cytogenetic location: 7q22.3.
Variant type: Deletion.
Identifiers: ClinVar variation 3245787 (VCV003245787.1).

ClinVar aggregate classification (germline): Pathogenic (1 of 4 stars; one submission).

Conditions:
COG5-congenital disorder of glycosylation. Also called: CONGENITAL DISORDER OF GLYCOSYLATION, TYPE IIi; COG5-CDG; CDG IIi. Identifiers: Orphanet 263487, MedGen C3150876, MONDO:0013325, OMIM 613612.

Submission:

Labcorp Genetics (formerly Invitae), Labcorp
Classification: Pathogenic for COG5-congenital disorder of glycosylation. Last evaluated: 2023-02-17. Review status: criteria provided, single submitter. Criteria: Invitae Variant Classification Sherloc (09022015). Collection method: clinical testing. Allele origin: unknown.
Comment: This variant is a gross deletion of the genomic region encompassing exon(s) 1-6 of the COG5 gene, which includes the initiator codon. This deletion extends beyond the assayed region for this gene and therefore may encompass additional genes. It is expected to result in an absent or disrupted protein product. Loss-of-function variants in COG5 are known to be pathogenic (PMID: 23228021). This variant has not been reported in the literature in individuals affected with COG5-related conditions. For these reasons, this variant has been classified as Pathogenic.

Literature cited by the submitters: PubMed 23228021.